The following is an entry in ClinVar:

ClinVar aggregate classification (germline): Pathogenic/Likely pathogenic. Review status: criteria provided, multiple submitters, no conflicts (2 of 4 stars). 2 submissions from 2 submitters: Pathogenic (1); Likely pathogenic (1). Last evaluated 2024-03-26.

Conditions:
RP2-related disorder. Also called: RP2-related condition.

Submissions (2):

Labcorp Genetics (formerly Invitae), Labcorp
Classification: Pathogenic. Last evaluated: 2024-03-26. Review status: criteria provided, single submitter. Criteria: Invitae Variant Classification Sherloc (09022015). Collection method: clinical testing. Allele origin: germline.
Comment: This sequence change creates a premature translational stop signal (p.Asp287Hisfs*8) in the RP2 gene. It is expected to result in an absent or disrupted protein product. Loss-of-function variants in RP2 are known to be pathogenic (PMID: 11992260, 20625056). This variant is not present in population databases (gnomAD no frequency). This variant has not been reported in the literature in individuals affected with RP2-related conditions. For these reasons, this variant has been classified as Pathogenic.

Blueprint Genetics
Classification: Likely pathogenic for RP2-related disorders. Last evaluated: 2023-12-01. Review status: criteria provided, single submitter. Criteria: ACMG Guidelines, 2015. Collection method: clinical testing. Allele origin: germline. Affected: yes. Observed: 1 variant allele.

Literature cited by the submitters: PubMed 11992260 (cited by Labcorp Genetics (formerly Invitae), Labcorp); PubMed 20625056 (cited by Labcorp Genetics (formerly Invitae), Labcorp).

NM_006915.3(RP2):c.854_858dup (p.Asp287fs)

Gene: RP2 (RP2 activator of ARL3 GTPase; plus strand). Cytogenetic location: Xp11.3.
Variant type: Duplication.
Coding change: c.854_858dup on transcript NM_006915.3 (MANE Select); coding-DNA positions 854 to 858, 5 bases duplicated (CACCT; older notation c.854_858dupCACCT).
Protein change: p.Asp287fs; shifts the reading frame from aspartic acid 287.
Molecular consequence: frameshift variant.
Genome position (GRCh38, 1-based): chrX:46,860,073-46,860,077, CACCT duplicated. VCF-style (leftmost placement, unchanged base first): chrX-46860072-G-GCACCT. GRCh37 (hg19) VCF-style: chrX-46719507-G-GCACCT.
Other names: short protein forms D287fs.
Identifiers: ClinVar variation 3641723 (VCV003641723.3).